The following is an entry in ClinVar:

ClinVar aggregate classification (germline): Uncertain significance (1 of 4 stars; one submission).

Conditions:
Fabry disease. Also called: Fabry's disease; ALPHA-GALACTOSIDASE A DEFICIENCY; ANDERSON-FABRY DISEASE; CERAMIDE TRIHEXOSIDASE DEFICIENCY; GLA DEFICIENCY; HEREDITARY DYSTOPIC LIPIDOSIS. Identifiers: Orphanet 324, MedGen C0002986, MONDO:0010526, OMIM 301500, HP:0001071. Disease mechanism: Fabry disease is due to inactivating mutations in the X-linked GLA gene resulting in deficiency of the enzyme Alpha Galactosidase-A., loss of function.

Submission:

3billion
Classification: Uncertain significance for Fabry disease. Last evaluated: 2023-08-17. Review status: criteria provided, single submitter. Criteria: ACMG Guidelines, 2015. Collection method: clinical testing. Allele origin: germline. Affected: yes.
Comment: The variant is not observed in the gnomAD v2.1.1 dataset. Predicted Consequence/Location: Missense variant In silico tool predictions suggest damaging effect of the variant on gene or gene product [REVEL: 0.89 (>=0.6, sensitivity 0.68 and specificity 0.92); 3Cnet: 1.00 (>=0.6, sensitivity 0.72 and precision 0.9)]. A different missense change at the same codon (p.Asp322Glu) has been reported as pathogenic/likely pathogenic with strong evidence (ClinVar ID: VCV000092572, VCV000222459). Therefore, this variant is classified as VUS according to the recommendation of ACMG/AMP guideline.

NM_000169.3(GLA):c.965A>G (p.Asp322Gly)

Genes: GLA (galactosidase alpha; minus strand), RPL36A-HNRNPH2 (RPL36A-HNRNPH2 readthrough; plus strand). Cytogenetic location: Xq22.1.
Variant type: single nucleotide variant.
Coding change: c.965A>G on transcript NM_000169.3 (MANE Select); coding-DNA position 965, A replaced by G.
Protein change: p.Asp322Gly; replaces aspartic acid 322 with glycine.
Molecular consequence: missense variant. On other transcripts: non-coding transcript variant (3), intron variant (2).
Genome position (GRCh38, 1-based): chrX:101,398,404, T>C on the plus strand (A>G on the coding strand, the complement: GLA is on the minus strand). VCF-style: chrX-101398404-T-C. GRCh37 (hg19) VCF-style: chrX-100653392-T-C.
Other names: c.1088A>G, p.Asp363Gly (NM_001406747.1); c.965A>G, p.Asp322Gly (NM_001406748.1); c.300+2947T>C (NM_001199973.2); c.177+6582T>C (NM_001199974.2); short protein forms D322G, D363G.
Identifiers: ClinVar variation 3776192 (VCV003776192.1).